The following is an entry in ClinVar:

ClinVar aggregate classification (germline): Uncertain significance. Review status: criteria provided, multiple submitters, no conflicts (2 of 4 stars). 2 submissions from 2 submitters: Uncertain significance (2). Last evaluated 2021-12-02.

Conditions:
Developmental and epileptic encephalopathy, 75. Also called: EPILEPTIC ENCEPHALOPATHY, EARLY INFANTILE, 75. Identifiers: MedGen C5193099, MONDO:0032752, OMIM 618437.

Allele frequency attached by ClinVar (database versions not stated): gnomAD 0.00001; TOPMed 0.00001; ExAC 0.00002; ESP Exome Variant Server 0.00015.

Submissions (2):

Labcorp Genetics (formerly Invitae), Labcorp
Classification: Uncertain significance. Last evaluated: 2021-12-02. Review status: criteria provided, single submitter. Criteria: Invitae Variant Classification Sherloc (09022015). Collection method: clinical testing. Allele origin: germline.
Comment: In summary, the available evidence is currently insufficient to determine the role of this variant in disease. Therefore, it has been classified as a Variant of Uncertain Significance. Algorithms developed to predict the effect of missense changes on protein structure and function are either unavailable or do not agree on the potential impact of this missense change (SIFT: "Deleterious"; PolyPhen-2: "Probably Damaging"; Align-GVGD: "Class C0"). This variant has not been reported in the literature in individuals affected with PARS2-related conditions. This variant is present in population databases (rs377345733, gnomAD 0.007%). This sequence change replaces proline, which is neutral and non-polar, with alanine, which is neutral and non-polar, at codon 377 of the PARS2 protein (p.Pro377Ala).

Department of Pathology and Laboratory Medicine, Sinai Health System
Classification: Uncertain significance for Developmental and epileptic encephalopathy, 75. Last evaluated: 2021-07-30. Review status: criteria provided, single submitter. Criteria: ACMG Guidelines, 2015. Collection method: research. Allele origin: germline.

NM_152268.4(PARS2):c.1129C>G (p.Pro377Ala)

Gene: PARS2 (prolyl-tRNA synthetase 2, mitochondrial; minus strand). Cytogenetic location: 1p32.3.
Variant type: single nucleotide variant.
Coding change: c.1129C>G on transcript NM_152268.4 (MANE Select); coding-DNA position 1129, C replaced by G.
Protein change: p.Pro377Ala; replaces proline 377 with alanine.
Molecular consequence: missense variant.
Genome position (GRCh38, 1-based): chr1:54,758,033, G>C on the plus strand (C>G on the coding strand, the complement: PARS2 is on the minus strand). VCF-style: chr1-54758033-G-C. GRCh37 (hg19) VCF-style: chr1-55223706-G-C.
Other names: short protein forms P377A.
Identifiers: ClinVar variation 1500391 (VCV001500391.7), dbSNP rs377345733, ClinGen allele CA869357.
Genomic context (GRCh38, chr1:54,758,033, plus strand): 5'-TGTGGTCGTACAGCTGCCCTATGAGCTCGGAGGCCGCCTGCTCCTTACTGCCCTTCTTAG[G>C]GGGGATGAGGCAGGCTTGGTAAGGGGCCAGTAGGCTGGGCCAGCGGACACAGTCTTCTGT-3'
Protein context (NP_689481.2, residues 367-387): LAPYQACLIP[Pro377Ala]KKGSKEQAAS